The following is an entry in ClinVar:

ClinVar aggregate classification (germline): Conflicting classifications of pathogenicity. Review status: criteria provided, conflicting classifications (1 of 4 stars). 5 submissions from 5 submitters: Uncertain significance (3); Likely benign (2). Last evaluated 2025-11-19.

Conditions:
Lynch syndrome. Identifiers: Orphanet 144, MedGen C4552100, MONDO:0005835. Disease mechanism: loss of function.
Lynch syndrome 4 (LYNCH4). Also called: Colorectal cancer, hereditary nonpolyposis, type 4; Hereditary non-polyposis colorectal cancer, type 4. Identifiers: Orphanet 144, MedGen C1838333, MONDO:0013699, OMIM 614337. Disease mechanism: loss of function.
Hereditary nonpolyposis colorectal neoplasms. Identifiers: MedGen C0009405, MeSH D003123.
Hereditary cancer-predisposing syndrome. Also called: Hereditary neoplastic syndrome; Tumor predisposition; Hereditary Cancer Syndrome; Neoplastic Syndromes, Hereditary. Identifiers: Orphanet 140162, MedGen C0027672, MeSH D009386, MONDO:0015356.

gnomAD v4.1: 13 of 1,608,132 alleles (0.00081%); highest among the groups gnomAD compares: Non-Finnish European, 0.001%; no homozygotes.

Submissions (5):

Labcorp Genetics (formerly Invitae), Labcorp
Classification: Uncertain significance for Hereditary nonpolyposis colorectal neoplasms. Last evaluated: 2025-11-19. Review status: criteria provided, single submitter. Criteria: Invitae Variant Classification Sherloc (09022015). Collection method: clinical testing. Allele origin: germline.
Comment: This sequence change falls in intron 5 of the PMS2 gene. It does not directly change the encoded amino acid sequence of the PMS2 protein. This variant is not present in population databases (gnomAD no frequency). This variant has not been reported in the literature in individuals affected with PMS2-related conditions. ClinVar contains an entry for this variant (Variation ID: 492282). Studies have shown this variant is associated with partial deletion of exon 6, but one or more of the resulting mRNA isoform(s) may be naturally occurring (internal data). In summary, the available evidence is currently insufficient to determine the role of this variant in disease. Therefore, it has been classified as a Variant of Uncertain Significance.

Molecular Pathology, Peter Maccallum Cancer Centre
Classification: Uncertain significance for Lynch syndrome 4. Last evaluated: 2025-02-12. Review status: criteria provided, single submitter. Criteria: ACMG Guidelines, 2015. Collection method: clinical testing. Allele origin: germline. Inheritance: Autosomal dominant inheritance.

All of Us Research Program, National Institutes of Health
Classification: Likely benign for Lynch syndrome. Last evaluated: 2024-05-30. Review status: criteria provided, single submitter. Criteria: ACMG Guidelines, 2015. Collection method: clinical testing. Allele origin: germline. Inheritance: Autosomal dominant inheritance. Observed: 1 variant allele, 1 heterozygote.
Comment: This study involves interpretation of variants in research participants for the purpose of population health screening. Participant phenotype was not available at the time of variant classification. Additional details can be found in publication PMID: 35346344, PMCID: PMC8962531

Ambry Genetics
Classification: Uncertain significance for Hereditary cancer-predisposing syndrome. Last evaluated: 2022-11-29. Review status: criteria provided, single submitter. Criteria: Ambry Variant Classification Scheme 2023. Collection method: clinical testing. Allele origin: germline.
Comment: The c.538-12T>G intronic alteration consists of a T to G substitution 12 nucleotides before coding exon 6 in the PMS2 gene. Based on insufficient or conflicting evidence, the clinical significance of this alteration remains unclear.

Color Diagnostics, LLC DBA Color Health
Classification: Likely benign for Hereditary cancer-predisposing syndrome. Last evaluated: 2016-12-13. Review status: criteria provided, single submitter. Criteria: ACMG Guidelines, 2015. Collection method: clinical testing. Allele origin: germline.

NM_000535.7(PMS2):c.538-12T>G

Gene: PMS2 (PMS1 homolog 2, mismatch repair system component; minus strand). Cytogenetic location: 7p22.1.
Variant type: single nucleotide variant.
Coding change: c.538-12T>G on transcript NM_000535.7 (MANE Select); 12 bases into the intron before coding-DNA position 538, T replaced by G.
Molecular consequence: intron variant.
Genome position (GRCh38, 1-based): chr7:5,999,287, A>C on the plus strand (T>G on the coding strand, the complement: PMS2 is on the minus strand). VCF-style: chr7-5999287-A-C. GRCh37 (hg19) VCF-style: chr7-6038918-A-C.
Other names: c.538-12T>G (NM_000535.5, NM_001322006.2, NM_001322014.2); c.220-12T>G (NM_001322008.2, NM_001322007.2); c.133-12T>G (NM_001322010.2, NM_001322004.2, NM_001322003.2 and 2 more transcripts); c.133-1864T>G (NM_001322013.2); c.-347-61T>G (NM_001322012.2, NM_001322011.2); c.229-12T>G (NM_001322015.2).
Identifiers: ClinVar variation 492282 (VCV000492282.10), dbSNP rs1554302551, ClinGen allele CA658683457.